The following is an entry in ClinVar:

NM_000080.4(CHRNE):c.447_459del (p.Val150fs)

Genes: CHRNE (cholinergic receptor nicotinic epsilon subunit; minus strand), C17orf107 (chromosome 17 open reading frame 107; plus strand). Cytogenetic location: 17p13.2.
Variant type: Deletion.
Coding change: c.447_459del on transcript NM_000080.4 (MANE Select); coding-DNA positions 447 to 459, 13 bases deleted (AGTGGAGGTCACC).
Protein change: p.Val150fs; shifts the reading frame from valine 150.
Molecular consequence: frameshift variant. On other transcripts: 3 prime UTR variant (1).
Genome position (GRCh38, 1-based): chr17:4,901,973-4,901,985, GGTGACCTCCACT deleted on the plus strand (AGTGGAGGTCACC on the coding strand, the reverse complement: CHRNE is on the minus strand); deleting any 13 consecutive bases within chr17:4,901,973-4,901,986 gives the same sequence; the c. name uses the placement nearest the transcript's 3' end. VCF-style (leftmost placement, unchanged base first): chr17-4901972-AGGTGACCTCCACT-A. GRCh37 (hg19) VCF-style: chr17-4805267-AGGTGACCTCCACT-A.
Other names: c.*1441_*1453del (NM_001145536.2); short protein forms V150fs.
Identifiers: ClinVar variation 947210 (VCV000947210.10), dbSNP rs1970005446, ClinGen allele CA1139665076.

ClinVar aggregate classification (germline): Pathogenic. Review status: criteria provided, multiple submitters, no conflicts (2 of 4 stars). 2 submissions from 2 submitters: Pathogenic (2). Last evaluated 2024-05-22.

Conditions:
Congenital myasthenic syndrome 4A. Also called: Myasthenic syndrome, congenital, 4a, slow-channel; MYASTHENIC SYNDROME, CONGENITAL, 4A, SLOW-CHANNEL, AUTOSOMAL RECESSIVE; CONGENITAL MYASTHENIC SYNDROME TYPE Ia1. Identifiers: Orphanet 590, MedGen C4225413, MONDO:0011600, OMIM 605809.
Congenital myasthenic syndrome 4C (CMS4C). Also called: Myasthenic syndrome, congenital, associated with acetylcholine receptor deficiency. Identifiers: Orphanet 590, MedGen C1837091, MONDO:0012157, OMIM 608931.

Submissions (2):

Clinical Omics and Informatics (COIN) Unit, Neuroscience Institute, University Of Cape Town
Classification: Pathogenic for Congenital myasthenic syndrome 4C. Last evaluated: 2024-05-22. Review status: criteria provided, single submitter. Criteria: ACMG Guidelines, 2015. Collection method: research. Allele origin: germline. Inheritance: Autosomal recessive inheritance. Affected: yes. Observed: 1 variant allele, 1 homozygote.
Comment: PM2_Supporting: variant absent from gnomAD v4.0 (coverage >20X confirmed). PM3_Supporting: homozygous observation of variant in proband under assessment. 0.5 points awarded. PS4 Not Met: Variant reported in ClinVar by Invitae (SCV001390106.5) but no phenotype information provided therefore evidence not considered under PS4. PVS1_Met: null variant (frameshift variant, predicted to undergo NMD, exon is present in biologically relevant transcript) in a gene where LOF is a known mechanism of disease (PMID: 22678886). Sequencing funded by the International Centre for Genomic Medicine in Neuromuscular Diseases (ICGNMD).

Labcorp Genetics (formerly Invitae), Labcorp
Classification: Pathogenic for Congenital myasthenic syndrome 4A. Last evaluated: 2019-06-10. Review status: criteria provided, single submitter. Criteria: Invitae Variant Classification Sherloc (09022015). Collection method: clinical testing. Allele origin: germline.
Comment: For these reasons, this variant has been classified as Pathogenic. Loss-of-function variants in CHRNE are known to be pathogenic (PMID: 22678886). This variant has not been reported in the literature in individuals with CHRNE-related conditions. This variant is not present in population databases (ExAC no frequency). This sequence change creates a premature translational stop signal (p.Val150Thrfs*29) in the CHRNE gene. It is expected to result in an absent or disrupted protein product.

Literature cited by the submitters: PubMed 37712079 (cited by Clinical Omics and Informatics (COIN) Unit, Neuroscience Institute, University Of Cape Town); PubMed 22678886 (cited by Labcorp Genetics (formerly Invitae), Labcorp).